The following is an entry in ClinVar:

ClinVar aggregate classification (germline): Uncertain significance. Review status: criteria provided, multiple submitters, no conflicts (2 of 4 stars). 2 submissions from 2 submitters: Uncertain significance (2). Last evaluated 2022-10-31.

Conditions:
Charcot-Marie-Tooth disease dominant intermediate C (CMTDIC). Also called: CHARCOT-MARIE-TOOTH NEUROPATHY, DOMINANT INTERMEDIATE C. Identifiers: Orphanet 100045, MedGen C1842237, MONDO:0012012, OMIM 608323.
Inborn genetic diseases. Identifiers: MedGen C0950123, MeSH D030342.

Allele frequency attached by ClinVar (database versions not stated): gnomAD exomes below 0.00001.
gnomAD v4.1: 1 of 1,614,154 alleles (0.000062%); highest among the groups gnomAD compares: Admixed American, 0.0017%; no homozygotes.

Submissions (2):

Labcorp Genetics (formerly Invitae), Labcorp
Classification: Uncertain significance for Charcot-Marie-Tooth disease dominant intermediate C. Last evaluated: 2022-10-31. Review status: criteria provided, single submitter. Criteria: Invitae Variant Classification Sherloc (09022015). Collection method: clinical testing. Allele origin: germline.
Comment: In summary, the available evidence is currently insufficient to determine the role of this variant in disease. Therefore, it has been classified as a Variant of Uncertain Significance. Advanced modeling of protein sequence and biophysical properties (such as structural, functional, and spatial information, amino acid conservation, physicochemical variation, residue mobility, and thermodynamic stability) performed at Invitae indicates that this missense variant is expected to disrupt YARS protein function. This variant has not been reported in the literature in individuals affected with YARS-related conditions. This variant is present in population databases (no rsID available, gnomAD 0.003%). This sequence change replaces asparagine, which is neutral and polar, with serine, which is neutral and polar, at codon 258 of the YARS protein (p.Asn258Ser).

Ambry Genetics
Classification: Uncertain significance for Inborn genetic diseases. Last evaluated: 2022-06-13. Review status: criteria provided, single submitter. Criteria: Ambry Variant Classification Scheme 2023. Collection method: clinical testing. Allele origin: germline.

NM_003680.4(YARS1):c.773A>G (p.Asn258Ser)

Genes: YARS1 (tyrosyl-tRNA synthetase 1; minus strand), LOC126805688 (BRD4-independent group 4 enhancer GRCh37_chr1:33251929-33253128; plus strand). Cytogenetic location: 1p35.1.
Variant type: single nucleotide variant.
Coding change: c.773A>G on transcript NM_003680.4 (MANE Select); coding-DNA position 773, A replaced by G.
Protein change: p.Asn258Ser; replaces asparagine 258 with serine.
Molecular consequence: missense variant.
Genome position (GRCh38, 1-based): chr1:32,786,987, T>C on the plus strand (A>G on the coding strand, the complement: YARS1 is on the minus strand). VCF-style: chr1-32786987-T-C. GRCh37 (hg19) VCF-style: chr1-33252588-T-C.
Other names: short protein forms N258S.
Identifiers: ClinVar variation 2389445 (VCV002389445.5), dbSNP rs1186541108, ClinGen allele CA339685164.
Genomic context (GRCh38, chr1:32,786,987, plus strand): 5'-CAGAGAGTGTTACCGGACTTAAGGGGAAAAAGGACATGCTTGATGAAGGACAGAACCCCA[T>C]TGTTCTCCACATTTCCTGGCTCACAGAAGGCCTTCTTCAGTTTTTTCTTCACATCCTCCT-3'
Protein context (NP_003671.1, residues 248-268): AFCEPGNVEN[Asn258Ser]GVLSFIKHVL